The following is an entry in ClinVar:

NM_012479.4(YWHAG):c.395G>A (p.Arg132His)

Gene: YWHAG (tyrosine 3-monooxygenase/tryptophan 5-monooxygenase activation protein gamma; minus strand). Cytogenetic location: 7q11.23.
Variant type: single nucleotide variant.
Coding change: c.395G>A on transcript NM_012479.4 (MANE Select); coding-DNA position 395, G replaced by A.
Protein change: p.Arg132His; replaces arginine 132 with histidine.
Molecular consequence: missense variant.
Genome position (GRCh38, 1-based): chr7:76,329,926, C>T on the plus strand (G>A on the coding strand, the complement: YWHAG is on the minus strand). VCF-style: chr7-76329926-C-T. GRCh37 (hg19) VCF-style: chr7-75959243-C-T.
Other names: short protein forms R132H.
Identifiers: ClinVar variation 807723 (VCV000807723.15), dbSNP rs1583981615, ClinGen allele CA367777355.

ClinVar aggregate classification (germline): Conflicting classifications of pathogenicity. Review status: criteria provided, conflicting classifications (1 of 4 stars). 6 submissions from 6 submitters: Pathogenic (5); Uncertain significance (1). Last evaluated 2024-07-13.

Conditions:
Developmental and epileptic encephalopathy, 56. Also called: EPILEPTIC ENCEPHALOPATHY, EARLY INFANTILE, 56. Identifiers: MedGen C4540034, MONDO:0033365, OMIM 617665.

Submissions (6):

GeneDx
Classification: Pathogenic. Last evaluated: 2024-07-13. Review status: criteria provided, single submitter. Criteria: GeneDx Variant Classification Process June 2021. Collection method: clinical testing. Allele origin: germline. Affected: yes.
Comment: Not observed at significant frequency in large population cohorts (gnomAD); In silico analysis supports that this missense variant has a deleterious effect on protein structure/function; This variant is associated with the following publications: (PMID: 33619735)

Labcorp Genetics (formerly Invitae), Labcorp
Classification: Pathogenic. Last evaluated: 2023-12-11. Review status: criteria provided, single submitter. Criteria: Invitae Variant Classification Sherloc (09022015). Collection method: clinical testing. Allele origin: germline.
Comment: This sequence change replaces arginine, which is basic and polar, with histidine, which is basic and polar, at codon 132 of the YWHAG protein (p.Arg132His). This variant is not present in population databases (gnomAD no frequency). This missense change has been observed in individual(s) with infantile epileptic encephalopathy (PMID: 33619735). In at least one individual the variant was observed to be de novo. ClinVar contains an entry for this variant (Variation ID: 807723). Advanced modeling of protein sequence and biophysical properties (such as structural, functional, and spatial information, amino acid conservation, physicochemical variation, residue mobility, and thermodynamic stability) performed at Invitae indicates that this missense variant is expected to disrupt YWHAG protein function with a positive predictive value of 80%. This variant disrupts the p.Arg132 amino acid residue in YWHAG. Other variant(s) that disrupt this residue have been determined to be pathogenic (PMID: 28777935, 31926053). This suggests that this residue is clinically significant, and that variants that disrupt this residue are likely to be disease-causing. For these reasons, this variant has been classified as Pathogenic.

Victorian Clinical Genetics Services, Murdoch Childrens Research Institute
Classification: Pathogenic for Developmental and epileptic encephalopathy, 56. Last evaluated: 2022-02-02. Review status: criteria provided, single submitter. Criteria: ACMG Guidelines, 2015. Collection method: clinical testing. Allele origin: germline. Inheritance: Autosomal dominant inheritance. Affected: yes.
Comment: Based on the classification scheme VCGS_Germline_v1.3.4, this variant is classified as Pathogenic. Following criteria are met: 0105 - The mechanism of disease for this gene is not clearly established. However, computational modelling has suggested loss-of-function is the mechanism of disease (PMID: 33767733). (I) 0107 - This gene is associated with autosomal dominant disease. (I) 0115 - Variants in this gene are known to have variable expressivity. (PMID: 33767733). (I) 0200 - Variant is predicted to result in a missense amino acid change from arginine to histidine. (I) 0251 - This variant is heterozygous. (I) 0301 - Variant is absent from gnomAD (both v2 and v3). (SP) 0502 - Missense variant with conflicting in silico predictions and uninformative conservation. (I) 0603 - Missense variant in a region that is highly intolerant to missense variation (high constraint region in DECIPHER). (SP) 0704 - Another missense variant comparable to the one identified in this case has limited previous evidence for pathogenicity. The p.(Arg132Cys) variant has been shown to be de novo in at least two individuals and classified as pathogenic by diagnostic laboratories in ClinVar (PMID: 31926053). (SP) 0802 - This variant has moderate previous evidence of pathogenicity in unrelated individuals. It has been reported once as a de novo event and classified as pathogenic by diagnostic laboratories in ClinVar . (SP) 0905 - No published segregation evidence has been identified for this variant. (I) 1007 - No published functional evidence has been identified for this variant. (SP) Legend: (SP) - Supporting pathogenic, (I) - Information, (SB) - Supporting benign

Revvity Omics, Revvity
Classification: Uncertain significance for Developmental and epileptic encephalopathy, 56. Last evaluated: 2021-06-23. Review status: criteria provided, single submitter. Criteria: ACMG Guidelines, 2015. Collection method: clinical testing. Allele origin: germline.

Laboratory of Molecular Genetics (Pr. Bezieau's lab), CHU de Nantes
Classification: Pathogenic. Last evaluated: 2019-11-06. Review status: criteria provided, single submitter. Criteria: ACMG Guidelines, 2015. Collection method: clinical testing. Allele origin: germline. Affected: yes.

Institute of Human Genetics Munich, TUM University Hospital
Classification: Pathogenic for Developmental and epileptic encephalopathy, 56. Last evaluated: 2018-05-04. Review status: criteria provided, single submitter. Criteria: Classification criteria August 2017. Collection method: clinical testing. Allele origin: de novo. Inheritance: Autosomal dominant inheritance. Affected: yes. Observed: 1 heterozygote.

Literature cited by the submitters: PubMed 33619735 (cited by Labcorp Genetics (formerly Invitae), Labcorp); PubMed 28777935 (cited by Labcorp Genetics (formerly Invitae), Labcorp); PubMed 31926053 (cited by Labcorp Genetics (formerly Invitae), Labcorp and Victorian Clinical Genetics Services, Murdoch Childrens Research Institute); PubMed 33767733 (cited by Victorian Clinical Genetics Services, Murdoch Childrens Research Institute).